The following is an entry in ClinVar:

NM_001042492.3(NF1):c.8517G>T (p.Val2839=)

Gene: NF1 (neurofibromin 1; plus strand). Cytogenetic location: 17q11.2.
Variant type: single nucleotide variant.
Coding change: c.8517G>T on transcript NM_001042492.3 (MANE Select); coding-DNA position 8517, G replaced by T.
Protein change: p.Val2839=; no amino-acid change (valine 2839 retained).
Molecular consequence: synonymous variant.
Genome position (GRCh38, 1-based): chr17:31,374,152, G>T. VCF-style: chr17-31374152-G-T. GRCh37 (hg19) VCF-style: chr17-29701170-G-T.
Other names: c.8454G>T, p.Val2818= (NM_000267.4).
Identifiers: ClinVar variation 1763442 (VCV001763442.4), dbSNP rs786202329, ClinGen allele CA499354412.
Genomic context (GRCh38, chr17:31,374,152, plus strand): 5'-CCAAGTGCAGAAGCAAAGAAGCGCTGGCAGTTTCAAACGTAATAGCATTAAGAAGATCGT[G>T]TGAAGCTTGCTTGCTTTCTTTTTTAAAATCAACTTAACATGGGCTCTTCACTAGTGACCC-3'
Protein context (NP_001035957.1, residues 2829-2839): SFKRNSIKKI[Val2839=]

ClinVar aggregate classification (germline): Benign/Likely benign. Review status: criteria provided, multiple submitters, no conflicts (2 of 4 stars). 3 submissions from 3 submitters: Benign (1); Likely benign (2). Last evaluated 2026-09-23.

Conditions:
Neurofibromatosis, type 1 (NF1). Also called: VON RECKLINGHAUSEN DISEASE; Peripheral type neurofibromatosis; NEUROFIBROMATOSIS, TYPE I, SOMATIC; Neurofibromatosis, type I. Identifiers: Orphanet 636, MedGen C0027831, MONDO:0018975, OMIM 162200. Disease mechanism: loss of function.
Cardiovascular phenotype. Identifiers: MedGen CN230736.
Hereditary cancer-predisposing syndrome. Also called: Hereditary neoplastic syndrome; Neoplastic Syndromes, Hereditary; Tumor predisposition; Hereditary Cancer Syndrome. Identifiers: Orphanet 140162, MedGen C0027672, MeSH D009386, MONDO:0015356.

Submissions (3):

Myriad Genetics, Inc.
Classification: Benign for Neurofibromatosis, type 1. Last evaluated: 2026-09-23. Review status: criteria provided, single submitter. Criteria: Myriad Autosomal Dominant, Autosomal Recessive and X-Linked Classification Criteria (2023). Collection method: clinical testing. Allele origin: unknown.
Comment: This variant is considered benign. This variant is a silent/synonymous amino acid change and it is not expected to impact splicing.

Labcorp Genetics (formerly Invitae), Labcorp
Classification: Likely benign for Neurofibromatosis, type 1. Last evaluated: 2026-01-05. Review status: criteria provided, single submitter. Criteria: Invitae Variant Classification Sherloc (09022015). Collection method: clinical testing. Allele origin: germline.

Ambry Genetics
Classification: Likely benign for Cardiovascular phenotype; Hereditary cancer-predisposing syndrome. Last evaluated: 2022-09-09. Review status: criteria provided, single submitter. Criteria: Ambry Variant Classification Scheme 2023. Collection method: clinical testing. Allele origin: germline.